The following is an entry in ClinVar:

NM_024426.6(WT1):c.1017C>G (p.Asn339Lys)

Gene: WT1 (WT1 transcription factor; minus strand). Cytogenetic location: 11p13.
Variant type: single nucleotide variant.
Coding change: c.1017C>G on transcript NM_024426.6 (MANE Select); coding-DNA position 1017, C replaced by G.
Protein change: p.Asn339Lys; replaces asparagine 339 with lysine.
Molecular consequence: missense variant. On other transcripts: synonymous variant (7), 5 prime UTR variant (1), non-coding transcript variant (2), intron variant (1).
Genome position (GRCh38, 1-based): chr11:32,400,044, G>C on the plus strand (C>G on the coding strand, the complement: WT1 is on the minus strand). VCF-style: chr11-32400044-G-C. GRCh37 (hg19) VCF-style: chr11-32421590-G-C.
Other names: c.1002C>G (NM_024426.4); c.966C>G, p.Gly322= (NM_000378.6, NM_001407045.1, NM_001407048.1 and 1 more transcripts); c.366C>G, p.Asn122Lys (NM_001198551.2); c.315C>G, p.Gly105= (NM_001198552.2); c.-172C>G (NM_001367854.1); c.1017C>G, p.Asn339Lys (NM_001407046.1, NM_024424.5); c.894C>G, p.Asn298Lys (NM_001407047.1); c.843C>G, p.Gly281= (NM_001407050.1); and 3 more; short protein forms N122K, N339K, N298K, N85K, N334K.
Identifiers: ClinVar variation 2173302 (VCV002173302.5), dbSNP rs1319116254, ClinGen allele CA379960565.

ClinVar aggregate classification (germline): Uncertain significance. Review status: criteria provided, multiple submitters, no conflicts (2 of 4 stars). 2 submissions from 2 submitters: Uncertain significance (2). Last evaluated 2025-04-04.

Conditions:
Frasier syndrome. Identifiers: Orphanet 347, MedGen C0950122, MeSH D052159, MONDO:0007635, OMIM 136680.
Drash syndrome (DDS). Also called: WILMS TUMOR AND PSEUDO- OR TRUE HERMAPHRODITISM; NEPHROPATHY, WILMS TUMOR, AND GENITAL ANOMALIES. Identifiers: Orphanet 220, MedGen C0950121, MONDO:0008682, OMIM 194080.
Wilms tumor 1 (WT1). Also called: Wilms tumor, somatic. Identifiers: Orphanet 654, MedGen CN033288, MONDO:0008679, OMIM 194070.
11p partial monosomy syndrome (WAGR). Also called: WAGR syndrome; WAGR Complex; WAGR Spectrum Disorder; CHROMOSOME 11p13 DELETION SYNDROME. Identifiers: Orphanet 893, MedGen C0206115, MONDO:0008681, OMIM 194072.
Inborn genetic diseases. Identifiers: MedGen C0950123, MeSH D030342.

Allele frequency attached by ClinVar (database versions not stated): gnomAD exomes below 0.00001.
gnomAD v4.1: 1 of 1,614,202 alleles (0.000062%); highest among the groups gnomAD compares: South Asian, 0.0011%; no homozygotes.

Submissions (2):

Ambry Genetics
Classification: Uncertain significance for Inborn genetic diseases. Last evaluated: 2025-04-04. Review status: criteria provided, single submitter. Criteria: Ambry Variant Classification Scheme 2023. Collection method: clinical testing. Allele origin: germline.
Comment: The p.N334K variant (also known as c.1002C>G) is located in coding exon 6 of the WT1 gene. The asparagine at codon 334 is replaced by lysine, an amino acid with similar properties. This change occurs in the first base pair of coding exon 6. This amino acid position is conserved. In addition, the in silico prediction for this alteration is inconclusive. Based on the available evidence, the clinical significance of this variant remains unclear.

Labcorp Genetics (formerly Invitae), Labcorp
Classification: Uncertain significance for Wilms tumor 1; Drash syndrome; 11p partial monosomy syndrome; Frasier syndrome. Last evaluated: 2023-08-17. Review status: criteria provided, single submitter. Criteria: Invitae Variant Classification Sherloc (09022015). Collection method: clinical testing. Allele origin: germline.
Comment: ClinVar contains an entry for this variant (Variation ID: 2173302). This variant has not been reported in the literature in individuals affected with WT1-related conditions. An algorithm developed to predict the effect of missense changes on protein structure and function (PolyPhen-2) suggests that this variant is likely to be tolerated. In summary, the available evidence is currently insufficient to determine the role of this variant in disease. Therefore, it has been classified as a Variant of Uncertain Significance. This variant is present in population databases (no rsID available, gnomAD 0.003%). This sequence change replaces asparagine, which is neutral and polar, with lysine, which is basic and polar, at codon 334 of the WT1 protein (p.Asn334Lys).